The following is an entry in ClinVar:

NM_024675.4(PALB2):c.2263_2266dup (p.Cys756fs)

Gene: PALB2 (partner and localizer of BRCA2; minus strand). Cytogenetic location: 16p12.2.
Variant type: Duplication.
Coding change: c.2263_2266dup on transcript NM_024675.4 (MANE Select); coding-DNA positions 2263 to 2266, 4 bases duplicated (TGCT; older notation c.2263_2266dupTGCT).
Protein change: p.Cys756fs; shifts the reading frame from cysteine 756.
Molecular consequence: frameshift variant. On other transcripts: intron variant (1).
Genome position (GRCh38, 1-based): chr16:23,629,888-23,629,891, AGCA duplicated on the plus strand (TGCT on the coding strand, the reverse complement: PALB2 is on the minus strand); duplicating any 4 consecutive bases within chr16:23,629,888-23,629,893 gives the same sequence; the c. name uses the placement nearest the transcript's 3' end. VCF-style (leftmost placement, unchanged base first): chr16-23629887-C-CAGCA. GRCh37 (hg19) VCF-style: chr16-23641208-C-CAGCA.
Other names: c.2203_2206dup, p.Cys736fs (NM_001407296.1); c.2263_2266dup, p.Cys756fs (NM_001407297.1, NM_001407298.1, NM_001407299.1 and 3 more transcripts); c.1378_1381dup, p.Cys461fs (NM_001407304.1, NM_001407305.1, NM_001407306.1 and 5 more transcripts); c.475_478dup, p.Cys160fs (NM_001407312.1, NM_001407313.1); c.49-616_49-613dup (NM_001407314.1); short protein forms C160fs, C461fs, C736fs, C756fs.
Identifiers: ClinVar variation 2674176 (VCV002674176.1), dbSNP rs2506414559, ClinGen allele CA2695197484.

ClinVar aggregate classification (germline): Pathogenic (1 of 4 stars; one submission).

Conditions:
Familial cancer of breast. Also called: Hereditary breast cancer; BREAST CANCER, FAMILIAL; hereditary breast carcinoma. Identifiers: Orphanet 227535, MedGen C0346153, MONDO:0016419, OMIM 114480. Disease mechanism: loss of function.

Submission:

Myriad Genetics, Inc.
Classification: Pathogenic for Familial cancer of breast. Last evaluated: 2023-09-12. Review status: criteria provided, single submitter. Criteria: Myriad Autosomal Dominant, Autosomal Recessive and X-Linked Classification Criteria (2023). Collection method: clinical testing. Allele origin: unknown.
Comment: This variant is considered pathogenic. This variant creates a frameshift predicted to result in premature protein truncation.